The following is an entry in ClinVar:

ClinVar aggregate classification (germline): Uncertain significance (1 of 4 stars; one submission).

Conditions:
Hereditary spastic paraplegia 3A (SPG3A). Also called: Spastic paraplegia 3A, autosomal dominant; SPASTIC PARAPLEGIA 3, AUTOSOMAL DOMINANT; FAMILIAL SPASTIC PARAPLEGIA, AUTOSOMAL DOMINANT, 1; SPG3; STRUMPELL DISEASE; Spastic Paraplegia 3A. Identifiers: Orphanet 100984, MedGen C2931355, MONDO:0008437, OMIM 182600.

Submission:

Labcorp Genetics (formerly Invitae), Labcorp
Classification: Uncertain significance for Hereditary spastic paraplegia 3A. Last evaluated: 2025-11-10. Review status: criteria provided, single submitter. Criteria: Invitae Variant Classification Sherloc (09022015). Collection method: clinical testing. Allele origin: germline.
Comment: This sequence change replaces glycine, which is neutral and non-polar, with serine, which is neutral and polar, at codon 377 of the ATL1 protein (p.Gly377Ser). This variant is not present in population databases (gnomAD no frequency). This variant has not been reported in the literature in individuals affected with ATL1-related conditions. ClinVar contains an entry for this variant (Variation ID: 2750592). Invitae Evidence Modeling of protein sequence and biophysical properties (such as structural, functional, and spatial information, amino acid conservation, physicochemical variation, residue mobility, and thermodynamic stability) has been performed for this missense variant. However, the output from this modeling did not meet the statistical confidence thresholds required to predict the impact of this variant on ATL1 protein function. Algorithms developed to predict the effect of sequence changes on RNA splicing suggest that this variant may create or strengthen a splice site. In summary, the available evidence is currently insufficient to determine the role of this variant in disease. Therefore, it has been classified as a Variant of Uncertain Significance.

NM_015915.5(ATL1):c.1129G>A (p.Gly377Ser)

Gene: ATL1 (atlastin GTPase 1; plus strand). Cytogenetic location: 14q22.1.
Variant type: single nucleotide variant.
Coding change: c.1129G>A on transcript NM_015915.5 (MANE Select); coding-DNA position 1129, G replaced by A.
Protein change: p.Gly377Ser; replaces glycine 377 with serine.
Molecular consequence: missense variant.
Genome position (GRCh38, 1-based): chr14:50,628,040, G>A. VCF-style: chr14-50628040-G-A. GRCh37 (hg19) VCF-style: chr14-51094758-G-A.
Other names: c.1129G>A, p.Gly377Ser (NM_001127713.1, NM_181598.4); short protein forms G377S.
Identifiers: ClinVar variation 2750592 (VCV002750592.3), dbSNP rs2504576868, ClinGen allele CA389675318.